The following is an entry in ClinVar:

NM_000256.3(MYBPC3):c.407-12C>T

Gene: MYBPC3 (myosin binding protein C3; minus strand). Cytogenetic location: 11p11.2.
Variant type: single nucleotide variant.
Coding change: c.407-12C>T on transcript NM_000256.3 (MANE Select); 12 bases into the intron before coding-DNA position 407, C replaced by T.
Molecular consequence: intron variant.
Genome position (GRCh38, 1-based): chr11:47,350,124, G>A on the plus strand (C>T on the coding strand, the complement: MYBPC3 is on the minus strand). VCF-style: chr11-47350124-G-A. GRCh37 (hg19) VCF-style: chr11-47371675-G-A.
Identifiers: ClinVar variation 3071090 (VCV003071090.1), dbSNP rs1226412861, ClinGen allele CA599060619.
Genomic context (GRCh38, chr11:47,350,124, plus strand): 5'-TCATCGGGGGCTCCAGGGGTAGGACCATTGAGAGCTGCTGAGCTTGACCCTGTGAGCAAA[G>A]GCTTTTTCTGTTTGTTTGAGATGGAGTCTTGCTCTGTCACCCAGGCTGGAGTGCAGAGGC-3'

ClinVar aggregate classification (germline): Likely benign (1 of 4 stars; one submission).

Conditions:
Hypertrophic cardiomyopathy. Also called: HYPERTROPHIC MYOCARDIOPATHY. Identifiers: Orphanet 217569, MedGen C0007194, MeSH D002312, MONDO:0005045, HP:0001639.

Allele frequency attached by ClinVar (database versions not stated): gnomAD exomes 0.00001.
gnomAD v4.1: 18 of 1,550,796 alleles (0.0012%); highest among the groups gnomAD compares: Non-Finnish European, 0.0015%; no homozygotes.

Submission:

All of Us Research Program, National Institutes of Health
Classification: Likely benign for Hypertrophic cardiomyopathy. Last evaluated: 2023-05-16. Review status: criteria provided, single submitter. Criteria: ACMG Guidelines, 2015. Collection method: clinical testing. Allele origin: germline. Inheritance: Autosomal dominant inheritance. Observed: 1 variant allele, 1 heterozygote.
Comment: This study involves interpretation of variants in research participants for the purpose of population health screening. Participant phenotype was not available at the time of variant classification. Additional details can be found in publication PMID: 35346344, PMCID: PMC8962531